The following is an entry in ClinVar:

NM_182641.4(BPTF):c.3465T>A (p.His1155Gln)

Gene: BPTF (bromodomain PHD finger transcription factor; plus strand). Cytogenetic location: 17q24.2.
Variant type: single nucleotide variant.
Coding change: c.3465T>A on transcript NM_182641.4 (MANE Select); coding-DNA position 3465, T replaced by A.
Protein change: p.His1155Gln; replaces histidine 1155 with glutamine.
Molecular consequence: missense variant.
Genome position (GRCh38, 1-based): chr17:67,911,349, T>A. VCF-style: chr17-67911349-T-A. GRCh37 (hg19) VCF-style: chr17-65907465-T-A.
Other names: c.3654T>A, p.His1218Gln (NM_001439139.1, NM_001439141.1, NM_001439143.1 and 1 more transcripts); c.3843T>A, p.His1281Gln (NM_001439140.1, NM_001439142.1, NM_004459.7); short protein forms H1155Q, H1218Q, H1281Q.
Identifiers: ClinVar variation 5008976 (VCV005008976.1).
Genomic context (GRCh38, chr17:67,911,349, plus strand): 5'-CTTGATTCAGGGATGTTCAGAAAGTGATTCCTCAGTTCTTAGAATGAGTGATCCTAGTCA[T>A]ACCACAAACAAACTTTATCCAAAAGATCGAGTGTTAGATGATGTCTCCATTCGGAGCCCA-3'
Protein context (NP_872579.2, residues 1145-1165): SSVLRMSDPS[His1155Gln]TTNKLYPKDR

ClinVar aggregate classification (germline): Uncertain significance (1 of 4 stars; one submission).

Submission:

GeneDx
Classification: Uncertain significance. Last evaluated: 2026-03-10. Review status: criteria provided, single submitter. Criteria: GeneDx Variant Classification Process June 2021. Collection method: clinical testing. Allele origin: germline.
Comment: Not observed at significant frequency in large population cohorts (gnomAD); In silico analysis suggests that this missense variant does not alter protein structure/function; Has not been previously published as pathogenic or benign to our knowledge